The following is an entry in ClinVar:

NM_000448.3(RAG1):c.3094G>C (p.Glu1032Gln)

Gene: RAG1 (recombination activating 1; plus strand). Cytogenetic location: 11p12.
Variant type: single nucleotide variant.
Coding change: c.3094G>C on transcript NM_000448.3 (MANE Select); coding-DNA position 3094, G replaced by C.
Protein change: p.Glu1032Gln; replaces glutamic acid 1032 with glutamine.
Molecular consequence: missense variant.
Genome position (GRCh38, 1-based): chr11:36,576,398, G>C. VCF-style: chr11-36576398-G-C. GRCh37 (hg19) VCF-style: chr11-36597948-G-C.
Other names: c.3094G>C, p.Glu1032Gln (NM_001377277.1, NM_001377278.1, NM_001377279.1 and 1 more transcripts); short protein forms E1032Q.
Identifiers: ClinVar variation 2013813 (VCV002013813.4), dbSNP rs2494763401, ClinGen allele CA380137089.

ClinVar aggregate classification (germline): Uncertain significance (1 of 4 stars; one submission).

Conditions:
Severe combined immunodeficiency, autosomal recessive, T cell-negative, B cell-negative, NK cell-positive. Also called: Severe combined immunodeficiency due to complete RAG1/2 deficiency; SCID, AR, T-cell negative, B-cell negative, NK cell-positive; SCID, T CELL-NEGATIVE, B CELL-NEGATIVE, NK CELL-POSITIVE. Identifiers: Orphanet 331206, MedGen C1832322, MONDO:0011086, OMIM 601457.
Combined immunodeficiency with skin granulomas. Identifiers: Orphanet 157949, MedGen C2673536, MONDO:0009306, OMIM 233650.

Allele frequency attached by ClinVar (database versions not stated): gnomAD exomes below 0.00001.
gnomAD v4.1: 1 of 1,614,152 alleles (0.000062%); highest among the groups gnomAD compares: Non-Finnish European, 0.000085%; no homozygotes.

Submission:

Labcorp Genetics (formerly Invitae), Labcorp
Classification: Uncertain significance for Combined immunodeficiency with skin granulomas; Severe combined immunodeficiency, autosomal recessive, T cell-negative, B cell-negative, NK cell-positive. Last evaluated: 2022-07-03. Review status: criteria provided, single submitter. Criteria: Invitae Variant Classification Sherloc (09022015). Collection method: clinical testing. Allele origin: germline.
Comment: In summary, the available evidence is currently insufficient to determine the role of this variant in disease. Therefore, it has been classified as a Variant of Uncertain Significance. Advanced modeling of protein sequence and biophysical properties (such as structural, functional, and spatial information, amino acid conservation, physicochemical variation, residue mobility, and thermodynamic stability) performed at Invitae indicates that this missense variant is not expected to disrupt RAG1 protein function. This variant has not been reported in the literature in individuals affected with RAG1-related conditions. This variant is not present in population databases (gnomAD no frequency). This sequence change replaces glutamic acid, which is acidic and polar, with glutamine, which is neutral and polar, at codon 1032 of the RAG1 protein (p.Glu1032Gln).